The following is an entry in ClinVar:

NM_025129.5(FUZ):c.505G>T (p.Gly169Trp)

Genes: FUZ (fuzzy planar cell polarity protein; minus strand), LOC105372435 (uncharacterized LOC105372435; plus strand). Cytogenetic location: 19q13.33.
Variant type: single nucleotide variant.
Coding change: c.505G>T on transcript NM_025129.5 (MANE Select); coding-DNA position 505, G replaced by T.
Protein change: p.Gly169Trp; replaces glycine 169 with tryptophan.
Molecular consequence: missense variant. On other transcripts: non-coding transcript variant (2).
Genome position (GRCh38, 1-based): chr19:49,809,563, C>A on the plus strand (G>T on the coding strand, the complement: FUZ is on the minus strand). VCF-style: chr19-49809563-C-A. GRCh37 (hg19) VCF-style: chr19-50312820-C-A.
Other names: c.397G>T, p.Gly133Trp (NM_001171937.2); c.505G>T, p.Gly169Trp (NM_001352262.2); c.355G>T, p.Gly119Trp (NM_001363663.1); short protein forms G119W, G133W, G169W.
Identifiers: ClinVar variation 3348114 (VCV003348114.1).

ClinVar aggregate classification (germline): Uncertain significance (0 of 4 stars; one submission).

Conditions:
FUZ-related disorder. Also called: FUZ-related condition.

Submission:

PreventionGenetics, part of Exact Sciences
Classification: Uncertain significance for FUZ-related condition. Last evaluated: 2024-09-08. Review status: no assertion criteria provided. Collection method: clinical testing. Allele origin: germline.
Comment: The FUZ c.505G>T variant is predicted to result in the amino acid substitution p.Gly169Trp. To our knowledge, this variant has not been reported in the literature or in a large population database, indicating this variant is rare. At this time, the clinical significance of this variant is uncertain due to the absence of conclusive functional and genetic evidence.